The following is an entry in ClinVar:

ClinVar aggregate classification (germline): Likely pathogenic (1 of 4 stars; one submission).

Allele frequency attached by ClinVar (database versions not stated): gnomAD exomes below 0.00001.
gnomAD v4.1: 2 of 1,200,620 alleles (0.00017%); highest among the groups gnomAD compares: Non-Finnish European, 0.00023%; no homozygotes.

Submission:

Labcorp Genetics (formerly Invitae), Labcorp
Classification: Likely pathogenic. Last evaluated: 2023-04-18. Review status: criteria provided, single submitter. Criteria: Invitae Variant Classification Sherloc (09022015). Collection method: clinical testing. Allele origin: germline.
Comment: In summary, the currently available evidence indicates that the variant is pathogenic, but additional data are needed to prove that conclusively. Therefore, this variant has been classified as Likely Pathogenic. This variant disrupts the triple helix domain of COL4A5. Glycine residues within the Gly-Xaa-Yaa repeats of the triple helix domain are required for the structure and stability of fibrillar collagens (PMID: 7695699, 8218237, 19344236). In COL4A5, missense variants at these glycine residues are significantly enriched in individuals with disease (PMID: 23720012, 27627812) compared to the general population (ExAC). Advanced modeling of protein sequence and biophysical properties (such as structural, functional, and spatial information, amino acid conservation, physicochemical variation, residue mobility, and thermodynamic stability) performed at Invitae indicates that this missense variant is expected to disrupt COL4A5 protein function. This variant has not been reported in the literature in individuals affected with COL4A5-related conditions. This variant is not present in population databases (gnomAD no frequency). This sequence change replaces glycine, which is neutral and non-polar, with alanine, which is neutral and non-polar, at codon 99 of the COL4A5 protein (p.Gly99Ala).

Literature cited by the submitters: PubMed 7695699; PubMed 8218237; PubMed 19344236; PubMed 23720012; PubMed 27627812.

NM_033380.3(COL4A5):c.296G>C (p.Gly99Ala)

Gene: COL4A5 (collagen type IV alpha 5 chain; plus strand). Cytogenetic location: Xq22.3.
Variant type: single nucleotide variant.
Coding change: c.296G>C on transcript NM_033380.3 (MANE Select); coding-DNA position 296, G replaced by C.
Protein change: p.Gly99Ala; replaces glycine 99 with alanine.
Molecular consequence: missense variant.
Genome position (GRCh38, 1-based): chrX:108,568,648, G>C. VCF-style: chrX-108568648-G-C. GRCh37 (hg19) VCF-style: chrX-107811878-G-C.
Other names: c.296G>C, p.Gly99Ala (NM_000495.5); short protein forms G99A.
Identifiers: ClinVar variation 2857287 (VCV002857287.3), dbSNP rs2524195981, ClinGen allele CA413917826.